The following is an entry in ClinVar:

NM_001365951.3(KIF1B):c.5308G>C (p.Val1770Leu)

Gene: KIF1B (kinesin family member 1B; plus strand). Cytogenetic location: 1p36.22.
Variant type: single nucleotide variant.
Coding change: c.5308G>C on transcript NM_001365951.3 (MANE Select); coding-DNA position 5308, G replaced by C.
Protein change: p.Val1770Leu; replaces valine 1770 with leucine.
Molecular consequence: missense variant.
Genome position (GRCh38, 1-based): chr1:10,375,273, G>C. VCF-style: chr1-10375273-G-C. GRCh37 (hg19) VCF-style: chr1-10435331-G-C.
Other names: c.5308G>C, p.Val1770Leu (NM_001365952.1); c.5170G>C, p.Val1724Leu (NM_015074.3); short protein forms V1724L, V1770L.
Identifiers: ClinVar variation 2448774 (VCV002448774.2), dbSNP rs1638850675, ClinGen allele CA338331676.

ClinVar aggregate classification (germline): Uncertain significance (1 of 4 stars; one submission).

Submission:

Ambry Genetics
Classification: Uncertain significance. Last evaluated: 2023-02-15. Review status: criteria provided, single submitter. Criteria: Ambry Variant Classification Scheme 2023. Collection method: clinical testing. Allele origin: germline.
Comment: The p.V1724L variant (also known as c.5170G>C), located in coding exon 45 of the KIF1B gene, results from a G to C substitution at nucleotide position 5170. The valine at codon 1724 is replaced by leucine, an amino acid with highly similar properties. This amino acid position is conserved. In addition, this alteration is predicted to be tolerated by in silico analysis. Since supporting evidence is limited at this time, the clinical significance of this alteration remains unclear.